The following is an entry in ClinVar:

NM_001374353.1(GLI2):c.2199T>G (p.Thr733=)

Gene: GLI2 (GLI family zinc finger 2; plus strand). Cytogenetic location: 2q14.2.
Variant type: single nucleotide variant.
Coding change: c.2199T>G on transcript NM_001374353.1 (MANE Select); coding-DNA position 2199, T replaced by G.
Protein change: p.Thr733=; no amino-acid change (threonine 733 retained).
Molecular consequence: synonymous variant.
Genome position (GRCh38, 1-based): chr2:120,986,571, T>G. VCF-style: chr2-120986571-T-G. GRCh37 (hg19) VCF-style: chr2-121744147-T-G.
Other names: c.2250T>G, p.Thr750= (NM_001371271.1, NM_005270.5); c.1824T>G, p.Thr608= (NM_001374354.1).
Identifiers: ClinVar variation 330977 (VCV000330977.16), dbSNP rs146909860, ClinGen allele CA1852162.

ClinVar aggregate classification (germline): Benign/Likely benign. Review status: criteria provided, multiple submitters, no conflicts (2 of 4 stars). 4 submissions from 4 submitters: Benign (1); Likely benign (3). Last evaluated 2026-05-12.

Conditions:
Holoprosencephaly 9 (HPE9). Also called: HOLOPROSENCEPHALY WITH MICROPHTHALMIA AND FIRST BRANCHIAL ARCH ANOMALIES; PITUITARY ANOMALIES WITH HOLOPROSENCEPHALY-LIKE FEATURES. Identifiers: Orphanet 2162, MedGen C1835819, MONDO:0012563, OMIM 610829.
Postaxial polydactyly-anterior pituitary anomalies-facial dysmorphism syndrome. Also called: Culler-Jones syndrome. Identifiers: Orphanet 420584, MedGen C4014479, MONDO:0014369, OMIM 615849.

Allele frequency attached by ClinVar (database versions not stated): ExAC 0.00019; 1000 Genomes Project 0.00040; 1000 Genomes Project 30x 0.00047; ESP Exome Variant Server 0.00062; gnomAD exomes 0.00007 and 0.00018; TOPMed 0.00070; gnomAD 0.00081 and 0.00086.
gnomAD v4.1: 221 of 1,614,074 alleles (0.014%); highest among the groups gnomAD compares: African/African-American, 0.23%; 3 homozygotes.

Submissions (4):

Women's Health and Genetics/Laboratory Corporation of America, LabCorp
Classification: Likely benign. Last evaluated: 2026-05-12. Review status: criteria provided, single submitter. Criteria: LabCorp Variant Classification Summary - May 2015. Collection method: clinical testing. Allele origin: germline.

Labcorp Genetics (formerly Invitae), Labcorp
Classification: Benign for Postaxial polydactyly-anterior pituitary anomalies-facial dysmorphism syndrome; Holoprosencephaly 9. Last evaluated: 2026-01-23. Review status: criteria provided, single submitter. Criteria: Invitae Variant Classification Sherloc (09022015). Collection method: clinical testing. Allele origin: germline.

Blueprint Genetics
Classification: Likely benign. Last evaluated: 2024-07-18. Review status: criteria provided, single submitter. Criteria: ACMG Guidelines, 2015. Collection method: clinical testing. Allele origin: germline.

Illumina Laboratory Services, Illumina
Classification: Likely benign for Holoprosencephaly 9. Last evaluated: 2018-01-13. Review status: criteria provided, single submitter. Criteria: ICSL Variant Classification Criteria 13 December 2019. Collection method: clinical testing. Allele origin: germline.
Comment: This variant was observed in the ICSL laboratory as part of a predisposition screen in an ostensibly healthy population. It had not been previously curated by ICSL or reported in the Human Gene Mutation Database (HGMD: prior to June 1st, 2018), and was therefore a candidate for classification through an automated scoring system. Utilizing variant allele frequency, disease prevalence and penetrance estimates, and inheritance mode, an automated score was calculated to assess if this variant is too frequent to cause the disease. Based on the score and internal cut-off values, a variant classified as likely benign is not then subjected to further curation. The score for this variant resulted in a classification of likely benign for this disease.